The following is an entry in ClinVar:

ClinVar aggregate classification (germline): Uncertain significance (1 of 4 stars; one submission).

Conditions:
Inborn genetic diseases. Identifiers: MedGen C0950123, MeSH D030342.

Submission:

Ambry Genetics
Classification: Uncertain significance for Inborn genetic diseases. Last evaluated: 2025-01-16. Review status: criteria provided, single submitter. Criteria: Ambry Variant Classification Scheme 2023. Collection method: clinical testing. Allele origin: germline.
Comment: The p.P549T variant (also known as c.1645C>A), located in coding exon 8 of the MECOM gene, results from a C to A substitution at nucleotide position 1645. The proline at codon 549 is replaced by threonine, an amino acid with highly similar properties. This amino acid position is conserved. In addition, this alteration is predicted to be tolerated by in silico analysis. Based on the available evidence, the clinical significance of this variant remains unclear.

NM_004991.4(MECOM):c.1645C>A (p.Pro549Thr)

Gene: MECOM (MDS1 and EVI1 complex locus; minus strand). Cytogenetic location: 3q26.2.
Variant type: single nucleotide variant.
Coding change: c.1645C>A on transcript NM_004991.4 (MANE Select); coding-DNA position 1645, C replaced by A.
Protein change: p.Pro549Thr; replaces proline 549 with threonine.
Molecular consequence: missense variant. On other transcripts: intron variant (2).
Genome position (GRCh38, 1-based): chr3:169,116,227, G>T on the plus strand (C>A on the coding strand, the complement: MECOM is on the minus strand). VCF-style: chr3-169116227-G-T. GRCh37 (hg19) VCF-style: chr3-168834015-G-T.
Other names: c.1276C>A, p.Pro426Thr (NM_001105077.4); c.1081C>A, p.Pro361Thr (NM_001105078.4, NM_001164000.2, NM_001205194.2 and 4 more transcripts); c.1084C>A, p.Pro362Thr (NM_001163999.2, NM_001366467.2, NM_001366468.2 and 1 more transcripts); c.1645C>A, p.Pro549Thr (NM_001366466.2); c.1133-460C>A (NM_001366473.2); c.569-460C>A (NM_001366474.2); short protein forms P362T, P426T, P361T, P549T.
Identifiers: ClinVar variation 3871718 (VCV003871718.1).